The following is an entry in ClinVar:

NM_017849.4(TMEM127):c.629T>C (p.Leu210Pro)

Gene: TMEM127 (transmembrane protein 127; minus strand). Cytogenetic location: 2q11.2.
Variant type: single nucleotide variant.
Coding change: c.629T>C on transcript NM_017849.4 (MANE Select); coding-DNA position 629, T replaced by C.
Protein change: p.Leu210Pro; replaces leucine 210 with proline.
Molecular consequence: missense variant.
Genome position (GRCh38, 1-based): chr2:96,253,896, A>G on the plus strand (T>C on the coding strand, the complement: TMEM127 is on the minus strand). VCF-style: chr2-96253896-A-G. GRCh37 (hg19) VCF-style: chr2-96919634-A-G.
Other names: c.629T>C, p.Leu210Pro (NM_001193304.3); c.377T>C, p.Leu126Pro (NM_001407282.1, NM_001407283.1); short protein forms L210P, L126P.
Identifiers: ClinVar variation 4552069 (VCV004552069.1).

ClinVar aggregate classification (germline): Uncertain significance (1 of 4 stars; one submission).

Conditions:
Hereditary cancer-predisposing syndrome. Also called: Tumor predisposition; Hereditary Cancer Syndrome; Hereditary neoplastic syndrome; Neoplastic Syndromes, Hereditary. Identifiers: Orphanet 140162, MedGen C0027672, MeSH D009386, MONDO:0015356.

Submission:

Ambry Genetics
Classification: Uncertain significance for Hereditary cancer-predisposing syndrome. Last evaluated: 2025-09-28. Review status: criteria provided, single submitter. Criteria: Ambry Variant Classification Scheme 2023. Collection method: clinical testing. Allele origin: germline.
Comment: The p.L210P variant (also known as c.629T>C), located in coding exon 3 of the TMEM127 gene, results from a T to C substitution at nucleotide position 629. The leucine at codon 210 is replaced by proline, an amino acid with similar properties. This amino acid position is conserved. In addition, this alteration is predicted to be deleterious by in silico analysis. Based on the available evidence, the clinical significance of this variant remains unclear.